The following is an entry in ClinVar:

ClinVar aggregate classification (germline): Pathogenic (1 of 4 stars; one submission).

Conditions:
Hereditary factor XI deficiency disease. Also called: PLASMA THROMBOPLASTIN ANTECEDENT DEFICIENCY; PTA DEFICIENCY; ROSENTHAL SYNDROME; Congenital factor XI deficiency. Identifiers: Orphanet 329, MedGen C0015523, MeSH D005173, MONDO:0012897, OMIM 612416.

Submission:

Myriad Genetics, Inc.
Classification: Pathogenic for Hereditary factor XI deficiency disease. Last evaluated: 2024-05-14. Review status: criteria provided, single submitter. Criteria: Myriad Autosomal Dominant, Autosomal Recessive and X-Linked Classification Criteria (2023). Collection method: clinical testing. Allele origin: unknown.
Comment: NM_000128.3(F11):c.1513G>T(G505*) is expected to be pathogenic in the context of factor XI deficiency. This variant is predicted to lead to an abnormal or absent protein product due to the creation of a premature termination codon in F11, a gene where loss-of-function variants are known to be pathogenic. Please note: this variant was assessed in the context of healthy population screening.

NM_000128.4(F11):c.1513G>T (p.Gly505Ter)

Genes: F11 (coagulation factor XI; plus strand), F11-AS1 (F11 antisense RNA 1; minus strand). Cytogenetic location: 4q35.2.
Variant type: single nucleotide variant.
Coding change: c.1513G>T on transcript NM_000128.4 (MANE Select); coding-DNA position 1513, G replaced by T.
Protein change: p.Gly505Ter; replaces glycine 505 with a stop codon.
Molecular consequence: nonsense. On other transcripts: intron variant (4).
Genome position (GRCh38, 1-based): chr4:186,286,447, G>T. VCF-style: chr4-186286447-G-T. GRCh37 (hg19) VCF-style: chr4-187207601-G-T.
Other names: c.1465G>T, p.Gly489Ter (NM_001440590.1); c.1243G>T, p.Gly415Ter (NM_001440605.1); c.1195G>T, p.Gly399Ter (NM_001440606.1); c.1480+634G>T (NM_001440593.1); c.1432+634G>T (NM_001440596.1); c.1210+634G>T (NM_001440607.1); c.1162+634G>T (NM_001440608.1); short protein forms G399*, G415*, G489*, G505*.
Identifiers: ClinVar variation 5013279 (VCV005013279.1).